The following is an entry in ClinVar:

NM_001205293.3(CACNA1E):c.5268-1936G>A

Gene: CACNA1E (calcium voltage-gated channel subunit alpha1 E; plus strand). Cytogenetic location: 1q25.3.
Variant type: single nucleotide variant.
Coding change: c.5268-1936G>A on transcript NM_001205293.3 (MANE Select); 1936 bases into the intron before coding-DNA position 5268, G replaced by A.
Molecular consequence: intron variant.
Genome position (GRCh38, 1-based): chr1:181,779,491, G>A. VCF-style: chr1-181779491-G-A. GRCh37 (hg19) VCF-style: chr1-181748627-G-A.
Other names: c.5268-1936G>A (NM_000721.4); c.5211-1936G>A (NM_001205294.2).
Identifiers: ClinVar variation 2639615 (VCV002639615.24), dbSNP rs150342660, ClinGen allele CA1276076.

ClinVar aggregate classification (germline): Benign (1 of 4 stars; one submission).

Allele frequency attached by ClinVar (database versions not stated): gnomAD exomes 0.00045; ExAC 0.00060; gnomAD 0.00377; TOPMed 0.00428; 1000 Genomes Project 0.00459; 1000 Genomes Project 30x 0.00484.
gnomAD v4.1: 711 of 455,032 alleles (0.16%); highest among the groups gnomAD compares: African/African-American, 1.3%; 4 homozygotes.

Submission:

CeGaT Center for Human Genetics Tuebingen
Classification: Benign. Last evaluated: 2023-01-01. Review status: criteria provided, single submitter. Criteria: CeGaT Center For Human Genetics Tuebingen Variant Classification Criteria Version 2. Collection method: clinical testing. Allele origin: germline. Affected: yes. Observed: 1 variant allele.
Comment: CACNA1E: BS1, BS2